The following is an entry in ClinVar:

ClinVar aggregate classification (germline): Conflicting classifications of pathogenicity. Review status: criteria provided, conflicting classifications (1 of 4 stars). 7 submissions from 7 submitters: Uncertain significance (3); Benign (1); Likely benign (1). 2 of the submissions do not count toward it. Last evaluated 2026-01-16.

Conditions:
Zellweger spectrum disorders (ZS). Also called: Zellweger Spectrum Disorder (ZSD); Zellweger syndrome; Zellweger Spectrum Disorder; Zellweger Spectrum. Identifiers: Orphanet 912, MedGen C0043459, MONDO:0019609.
PEX10-related disorder. Also called: PEX10-related condition.
Peroxisome biogenesis disorder, complementation group 7 (CG7). Also called: Peroxisome biogenesis disorder, complementation group B. Identifiers: MedGen C1864399.
Peroxisome biogenesis disorder 6A (Zellweger). Also called: Peroxisome biogenesis disorder 6A. Identifiers: Orphanet 912, MedGen C3553947, MONDO:0013936, OMIM 614870.

Allele frequency attached by ClinVar (database versions not stated): gnomAD exomes 0.00008 and 0.00028; ExAC 0.00027; 1000 Genomes Project 30x 0.00031; ESP Exome Variant Server 0.00038; 1000 Genomes Project 0.00040; gnomAD 0.00054 and 0.00058; TOPMed 0.00069.

Submissions (7):

Labcorp Genetics (formerly Invitae), Labcorp
Classification: Likely benign for Peroxisome biogenesis disorder, complementation group 7. Last evaluated: 2026-01-16. Review status: criteria provided, single submitter. Criteria: Invitae Variant Classification Sherloc (09022015). Collection method: clinical testing. Allele origin: germline.

Blueprint Genetics
Classification: Benign. Last evaluated: 2022-11-02. Review status: criteria provided, single submitter. Criteria: ACMG Guidelines, 2015. Collection method: clinical testing. Allele origin: germline.

CeGaT Center for Human Genetics Tuebingen
Classification: Uncertain significance. Last evaluated: 2018-10-01. Review status: criteria provided, single submitter. Criteria: CeGaT Center For Human Genetics Tuebingen Variant Classification Criteria Version 2. Collection method: clinical testing. Allele origin: germline. Affected: yes. Observed: 1 variant allele.

Eurofins Ntd Llc (ga)
Classification: Uncertain significance. Last evaluated: 2018-08-10. Review status: criteria provided, single submitter. Criteria: EGL ClinVar v180209 classification definitions. Collection method: clinical testing. Allele origin: germline. Observed: 5 variant alleles, 5 heterozygotes.

Illumina Laboratory Services, Illumina
Classification: Uncertain significance for Peroxisome biogenesis disorder 6A (Zellweger). Last evaluated: 2018-01-13. Review status: criteria provided, single submitter. Criteria: ICSL Variant Classification Criteria 13 December 2019. Collection method: clinical testing. Allele origin: germline.

PreventionGenetics, part of Exact Sciences
Classification: Likely benign for PEX10-related condition. Last evaluated: 2022-07-08. Review status: no assertion criteria provided. Collection method: clinical testing. Allele origin: germline. Not counted in ClinVar's aggregate classification.
Comment: This variant is classified as likely benign based on ACMG/AMP sequence variant interpretation guidelines (Richards et al. 2015 PMID: 25741868, with internal and published modifications).

Natera, Inc.
Classification: Likely benign for Zellweger syndrome. Last evaluated: 2019-11-11. Review status: no assertion criteria provided. Collection method: clinical testing. Allele origin: germline. Not counted in ClinVar's aggregate classification.

NM_002617.4(PEX10):c.896C>T (p.Ala299Val)

Gene: PEX10 (peroxisomal biogenesis factor 10; minus strand). Cytogenetic location: 1p36.32.
Variant type: single nucleotide variant.
Coding change: c.896C>T on transcript NM_002617.4 (MANE Select); coding-DNA position 896, C replaced by T.
Protein change: p.Ala299Val; replaces alanine 299 with valine.
Molecular consequence: missense variant. On other transcripts: non-coding transcript variant (1).
Genome position (GRCh38, 1-based): chr1:2,406,500, G>A on the plus strand (C>T on the coding strand, the complement: PEX10 is on the minus strand). VCF-style: chr1-2406500-G-A. GRCh37 (hg19) VCF-style: chr1-2337939-G-A.
Other names: c.953C>T, p.Ala318Val (NM_001374425.1); c.521C>T, p.Ala174Val (NM_001374426.1); c.464C>T, p.Ala155Val (NM_001374427.1); c.956C>T, p.Ala319Val (NM_153818.2); short protein forms A319V, A299V, A155V, A174V, A318V.
Identifiers: ClinVar variation 283862 (VCV000283862.62), dbSNP rs78620392, ClinGen allele CA537986.